The following is an entry in ClinVar:

NM_032108.4(SEMA6B):c.2062G>T (p.Gly688Cys)

Gene: SEMA6B (semaphorin 6B; minus strand). Cytogenetic location: 19p13.3.
Variant type: single nucleotide variant.
Coding change: c.2062G>T on transcript NM_032108.4 (MANE Select); coding-DNA position 2062, G replaced by T.
Protein change: p.Gly688Cys; replaces glycine 688 with cysteine.
Molecular consequence: missense variant.
Genome position (GRCh38, 1-based): chr19:4,544,206, C>A on the plus strand (G>T on the coding strand, the complement: SEMA6B is on the minus strand). VCF-style: chr19-4544206-C-A. GRCh37 (hg19) VCF-style: chr19-4544218-C-A.
Other names: short protein forms G688C.
Identifiers: ClinVar variation 1331335 (VCV001331335.3), dbSNP rs2145342440, ClinGen allele CA403461305.

ClinVar aggregate classification (germline): Uncertain significance. Review status: criteria provided, multiple submitters, no conflicts (2 of 4 stars). 2 submissions from 2 submitters: Uncertain significance (2). Last evaluated 2026-06-29.

Conditions:
Inborn genetic diseases. Identifiers: MedGen C0950123, MeSH D030342.

Submissions (2):

Ambry Genetics
Classification: Uncertain significance for Inborn genetic diseases. Last evaluated: 2026-06-29. Review status: criteria provided, single submitter. Criteria: Ambry Variant Classification Scheme 2023. Collection method: clinical testing. Allele origin: germline.

GeneDx
Classification: Uncertain significance. Last evaluated: 2021-07-01. Review status: criteria provided, single submitter. Criteria: GeneDx Variant Classification Process June 2021. Collection method: clinical testing. Allele origin: germline. Affected: yes.
Comment: Not observed at significant frequency in large population cohorts (Lek et al., 2016); In silico analysis supports that this missense variant has a deleterious effect on protein structure/function; Has not been previously published as pathogenic or benign to our knowledge; This variant is associated with the following publications: (PMID: 27535533)